The following is an entry in ClinVar:

NM_020928.2(ZSWIM6):c.441G>A (p.Ala147=)

Gene: ZSWIM6 (zinc finger SWIM-type containing 6; plus strand). Cytogenetic location: 5q12.1.
Variant type: single nucleotide variant.
Coding change: c.441G>A on transcript NM_020928.2 (MANE Select); coding-DNA position 441, G replaced by A.
Protein change: p.Ala147=; no amino-acid change (alanine 147 retained).
Molecular consequence: synonymous variant.
Genome position (GRCh38, 1-based): chr5:61,332,713, G>A. VCF-style: chr5-61332713-G-A. GRCh37 (hg19) VCF-style: chr5-60628540-G-A.
Identifiers: ClinVar variation 1488209 (VCV001488209.13), dbSNP rs1342427053, ClinGen allele CA444673911.
Genomic context (GRCh38, chr5:61,332,713, plus strand): 5'-CAACACCGGCGGCGGCGCCGCGGGCGGCCCCGGCGACGACAGCGGTGGCGGCGGCGGCGC[G>A]GGCGGCGGCGGCGGCGGCGGCTCCTCGTCTTCCCCGGCCGCAACCTCGGCGGCCGCAACC-3'
Protein context (NP_065979.1, residues 137-157): PGDDSGGGGG[Ala147=]GGGGGGGSSS

ClinVar aggregate classification (germline): Likely benign. Review status: criteria provided, multiple submitters, no conflicts (2 of 4 stars). 3 submissions from 3 submitters: Likely benign (3). Last evaluated 2026-03-01.

Allele frequency attached by ClinVar (database versions not stated): gnomAD exomes 0.00004; gnomAD 0.00007 and 0.00012.
gnomAD v4.1: 45 of 928,530 alleles (0.0048%); highest among the groups gnomAD compares: East Asian, 0.55%; 2 homozygotes.

Submissions (3):

CeGaT Center for Human Genetics Tuebingen
Classification: Likely benign. Last evaluated: 2026-03-01. Review status: criteria provided, single submitter. Criteria: CeGaT Center For Human Genetics Tuebingen Variant Classification Criteria Version 2. Collection method: clinical testing. Allele origin: germline. Affected: yes. Observed: 1 variant allele.
Comment: ZSWIM6: BP4, BP7

Blueprint Genetics
Classification: Likely benign. Last evaluated: 2024-06-03. Review status: criteria provided, single submitter. Criteria: ACMG Guidelines, 2015. Collection method: clinical testing. Allele origin: germline.

Labcorp Genetics (formerly Invitae), Labcorp
Classification: Likely benign. Last evaluated: 2024-02-23. Review status: criteria provided, single submitter. Criteria: Invitae Variant Classification Sherloc (09022015). Collection method: clinical testing. Allele origin: germline.